The following is an entry in ClinVar:

NM_020207.7(ERCC6L2):c.89A>G (p.Asp30Gly)

Gene: ERCC6L2 (ERCC excision repair 6 like 2; plus strand). Cytogenetic location: 9q22.32.
Variant type: single nucleotide variant.
Coding change: c.89A>G on transcript NM_020207.7 (MANE Select); coding-DNA position 89, A replaced by G.
Protein change: p.Asp30Gly; replaces aspartic acid 30 with glycine.
Molecular consequence: missense variant. On other transcripts: non-coding transcript variant (1).
Genome position (GRCh38, 1-based): chr9:95,880,911, A>G. VCF-style: chr9-95880911-A-G. GRCh37 (hg19) VCF-style: chr9-98643193-A-G.
Other names: c.89A>G, p.Asp30Gly (NM_001010895.4, NM_001375291.1, NM_001375292.1 and 2 more transcripts); short protein forms D30G.
Identifiers: ClinVar variation 4618702 (VCV004618702.1).
Genomic context (GRCh38, chr9:95,880,911, plus strand): 5'-TTTTCTTTATTCTTGCAGACATATGGCATCCAGGAGAAAGATGTCTTGCCCCTTCTCCAG[A>G]TAATGGAAAACTTTGTGAAGCAAGCATAAAATCTATCACAGTGGATGAAAATGGCAAGTC-3'
Protein context (NP_064592.3, residues 20-40): PGERCLAPSP[Asp30Gly]NGKLCEASIK

ClinVar aggregate classification (germline): Uncertain significance (1 of 4 stars; one submission).

Conditions:
Inborn genetic diseases. Identifiers: MedGen C0950123, MeSH D030342.

Submission:

Ambry Genetics
Classification: Uncertain significance for Inborn genetic diseases. Last evaluated: 2025-09-19. Review status: criteria provided, single submitter. Criteria: Ambry Variant Classification Scheme 2023. Collection method: clinical testing. Allele origin: germline.
Comment: The p.D30G variant (also known as c.89A>G), located in coding exon 2 of the ERCC6L2 gene, results from an A to G substitution at nucleotide position 89. The aspartic acid at codon 30 is replaced by glycine, an amino acid with similar properties. This amino acid position is conserved. In addition, this alteration is predicted to be tolerated by in silico analysis. Based on the available evidence, the clinical significance of this variant remains unclear.